The following is an entry in ClinVar:

NM_001042492.3(NF1):c.7874C>T (p.Thr2625Ile)

Gene: NF1 (neurofibromin 1; plus strand). Cytogenetic location: 17q11.2.
Variant type: single nucleotide variant.
Coding change: c.7874C>T on transcript NM_001042492.3 (MANE Select); coding-DNA position 7874, C replaced by T.
Protein change: p.Thr2625Ile; replaces threonine 2625 with isoleucine.
Molecular consequence: missense variant.
Genome position (GRCh38, 1-based): chr17:31,357,273, C>T. VCF-style: chr17-31357273-C-T. GRCh37 (hg19) VCF-style: chr17-29684291-C-T.
Other names: c.7811C>T, p.Thr2604Ile (NM_000267.4); short protein forms T2604I, T2625I.
Identifiers: ClinVar variation 1356578 (VCV001356578.11), dbSNP rs2151583169, ClinGen allele CA399018771.

ClinVar aggregate classification (germline): Uncertain significance. Review status: criteria provided, multiple submitters, no conflicts (2 of 4 stars). 2 submissions from 2 submitters: Uncertain significance (2). Last evaluated 2025-03-13.

Conditions:
Hereditary cancer-predisposing syndrome. Also called: Hereditary Cancer Syndrome; Hereditary neoplastic syndrome; Tumor predisposition; Neoplastic Syndromes, Hereditary. Identifiers: Orphanet 140162, MedGen C0027672, MeSH D009386, MONDO:0015356.
Cardiovascular phenotype. Identifiers: MedGen CN230736.
Neurofibromatosis, type 1 (NF1). Also called: NEUROFIBROMATOSIS, TYPE I, SOMATIC; VON RECKLINGHAUSEN DISEASE; Neurofibromatosis, type I; Peripheral type neurofibromatosis. Identifiers: Orphanet 636, MedGen C0027831, MONDO:0018975, OMIM 162200. Disease mechanism: loss of function.

Submissions (2):

Labcorp Genetics (formerly Invitae), Labcorp
Classification: Uncertain significance for Neurofibromatosis, type 1. Last evaluated: 2025-03-13. Review status: criteria provided, single submitter. Criteria: Invitae Variant Classification Sherloc (09022015). Collection method: clinical testing. Allele origin: germline.
Comment: This sequence change replaces threonine, which is neutral and polar, with isoleucine, which is neutral and non-polar, at codon 2604 of the NF1 protein (p.Thr2604Ile). This variant is not present in population databases (gnomAD no frequency). This variant has not been reported in the literature in individuals affected with NF1-related conditions. ClinVar contains an entry for this variant (Variation ID: 1356578). Invitae Evidence Modeling of protein sequence and biophysical properties (such as structural, functional, and spatial information, amino acid conservation, physicochemical variation, residue mobility, and thermodynamic stability) has been performed for this missense variant. However, the output from this modeling did not meet the statistical confidence thresholds required to predict the impact of this variant on NF1 protein function. In summary, the available evidence is currently insufficient to determine the role of this variant in disease. Therefore, it has been classified as a Variant of Uncertain Significance.

Ambry Genetics
Classification: Uncertain significance for Cardiovascular phenotype; Hereditary cancer-predisposing syndrome. Last evaluated: 2024-11-08. Review status: criteria provided, single submitter. Criteria: Ambry Variant Classification Scheme 2023. Collection method: clinical testing. Allele origin: germline.
Comment: The p.T2604I variant (also known as c.7811C>T), located in coding exon 53 of the NF1 gene, results from a C to T substitution at nucleotide position 7811. The threonine at codon 2604 is replaced by isoleucine, an amino acid with similar properties. This amino acid position is highly conserved in available vertebrate species. In addition, this alteration is predicted to be deleterious by in silico analysis. Based on the available evidence, the clinical significance of this variant remains unclear.